The following is an entry in ClinVar:

ClinVar aggregate classification (germline): Likely benign (1 of 4 stars; one submission).

Allele frequency attached by ClinVar (database versions not stated): TOPMed 0.00004; gnomAD 0.00007; 1000 Genomes Project 0.00020; ExAC 0.00028; 1000 Genomes Project 30x 0.00031.
gnomAD v4.1: 226 of 1,612,206 alleles (0.014%); highest among the groups gnomAD compares: South Asian, 0.21%; 1 homozygote.

Submission:

CeGaT Center for Human Genetics Tuebingen
Classification: Likely benign. Last evaluated: 2023-02-01. Review status: criteria provided, single submitter. Criteria: CeGaT Center For Human Genetics Tuebingen Variant Classification Criteria Version 2. Collection method: clinical testing. Allele origin: germline. Affected: yes. Observed: 1 variant allele.
Comment: SNED1: BP4, BP7

NM_001080437.3(SNED1):c.2991C>T (p.Ala997=)

Genes: MTERF4 (mitochondrial transcription termination factor 4; minus strand), SNED1 (sushi, nidogen and EGF like domains 1; plus strand). Cytogenetic location: 2q37.3.
Variant type: single nucleotide variant.
Coding change: c.2991C>T on transcript NM_001080437.3 (MANE Select); coding-DNA position 2991, C replaced by T.
Protein change: p.Ala997=; no amino-acid change (alanine 997 retained).
Molecular consequence: synonymous variant.
Genome position (GRCh38, 1-based): chr2:241,065,576, C>T. VCF-style: chr2-241065576-C-T. GRCh37 (hg19) VCF-style: chr2-242004992-C-T.
Identifiers: ClinVar variation 2652106 (VCV002652106.24), dbSNP rs570295890, ClinGen allele CA2211609.